The following is an entry in ClinVar:

NM_001866.3(COX7B):c.242A>G (p.Ter81=)

Gene: COX7B (cytochrome c oxidase subunit 7B; plus strand). Cytogenetic location: Xq21.1.
Variant type: single nucleotide variant.
Coding change: c.242A>G on transcript NM_001866.3 (MANE Select); coding-DNA position 242, A replaced by G.
Protein change: p.Ter81=.
Molecular consequence: synonymous variant.
Genome position (GRCh38, 1-based): chrX:77,905,260, A>G. VCF-style: chrX-77905260-A-G. GRCh37 (hg19) VCF-style: chrX-77160757-A-G.
Identifiers: ClinVar variation 3049194 (VCV003049194.2), dbSNP rs1557221022, ClinGen allele CA517380449.

ClinVar aggregate classification (germline): Likely benign (0 of 4 stars; one submission).

Conditions:
COX7B-related disorder. Also called: COX7B-related condition.

Allele frequency attached by ClinVar (database versions not stated): TOPMed below 0.00001; gnomAD exomes 0.00001.
gnomAD v4.1: 8 of 1,195,702 alleles (0.00067%); highest among the groups gnomAD compares: Middle Eastern, 0.12%; no homozygotes.

Submission:

PreventionGenetics, part of Exact Sciences
Classification: Likely benign for COX7B-related condition. Last evaluated: 2019-12-04. Review status: no assertion criteria provided. Collection method: clinical testing. Allele origin: germline.
Comment: This variant is classified as likely benign based on ACMG/AMP sequence variant interpretation guidelines (Richards et al. 2015 PMID: 25741868, with internal and published modifications).